The following is an entry in ClinVar:

NM_001165963.4(SCN1A):c.1707T>C (p.Asn569=)

Gene: SCN1A (sodium voltage-gated channel alpha subunit 1; minus strand). Cytogenetic location: 2q24.3.
Variant type: single nucleotide variant.
Coding change: c.1707T>C on transcript NM_001165963.4 (MANE Select); coding-DNA position 1707, T replaced by C.
Protein change: p.Asn569=; no amino-acid change (asparagine 569 retained).
Molecular consequence: synonymous variant. On other transcripts: 5 prime UTR variant (1), non-coding transcript variant (1).
Genome position (GRCh38, 1-based): chr2:166,044,005, A>G on the plus strand (T>C on the coding strand, the complement: SCN1A is on the minus strand). VCF-style: chr2-166044005-A-G. GRCh37 (hg19) VCF-style: chr2-166900515-A-G.
Other names: c.1707T>C, p.Asn569= (NM_001165964.3, NM_001202435.3, NM_001353948.2 and 7 more transcripts); c.1704T>C, p.Asn568= (NM_001353954.2, NM_001353955.2, NM_001353960.2); c.-719T>C (NM_001353961.2).
Identifiers: ClinVar variation 515588 (VCV000515588.2), dbSNP rs778432457, ClinGen allele CA1943258.

ClinVar aggregate classification (germline): Likely benign. Review status: criteria provided, multiple submitters, no conflicts (2 of 4 stars). 2 submissions from 2 submitters: Likely benign (2). Last evaluated 2026-01-19.

Conditions:
Early-infantile DEE. Also called: Early infantile epileptic encephalopathy; Ohtahara syndrome; Early infantile epileptic encephalopathy with suppression bursts. Identifiers: Orphanet 1934, MedGen C0393706, MONDO:0800491.

Allele frequency attached by ClinVar (database versions not stated): TOPMed 0.00003.
gnomAD v4.1: 2 of 1,614,150 alleles (0.00012%); highest among the groups gnomAD compares: South Asian, 0.0011%; no homozygotes.

Submissions (2):

Labcorp Genetics (formerly Invitae), Labcorp
Classification: Likely benign for Early-infantile DEE. Last evaluated: 2026-01-19. Review status: criteria provided, single submitter. Criteria: Invitae Variant Classification Sherloc (09022015). Collection method: clinical testing. Allele origin: germline.

GeneDx
Classification: Likely benign. Last evaluated: 2018-02-22. Review status: criteria provided, single submitter. Criteria: GeneDx Variant Classification (06012015). Collection method: clinical testing. Allele origin: germline. Affected: yes.
Comment: This variant is considered likely benign or benign based on one or more of the following criteria: it is a conservative change, it occurs at a poorly conserved position in the protein, it is predicted to be benign by multiple in silico algorithms, and/or has population frequency not consistent with disease.